The following is an entry in ClinVar:

ClinVar aggregate classification (germline): Uncertain significance (1 of 4 stars; one submission).

Conditions:
Cardiovascular phenotype. Identifiers: MedGen CN230736.

gnomAD v4.1: 3 of 1,613,602 alleles (0.00019%); highest among the groups gnomAD compares: East Asian, 0.0022%; no homozygotes.

Submission:

Ambry Genetics
Classification: Uncertain significance for Cardiovascular phenotype. Last evaluated: 2026-07-10. Review status: criteria provided, single submitter. Criteria: Ambry Variant Classification Scheme 2023. Collection method: clinical testing. Allele origin: germline.
Comment: The p.V265G variant (also known as c.794T>G), located in coding exon 2 of the TNXB gene, results from a T to G substitution at nucleotide position 794. The valine at codon 265 is replaced by glycine, an amino acid with dissimilar properties. This amino acid position is conserved. In addition, this alteration is predicted to be tolerated by in silico analysis. Based on the available evidence, the clinical significance of this variant remains unclear.

NM_001365276.2(TNXB):c.794T>G (p.Val265Gly)

Gene: TNXB (tenascin XB; minus strand). Cytogenetic location: 6p21.33.
Variant type: single nucleotide variant.
Coding change: c.794T>G on transcript NM_001365276.2 (MANE Select); coding-DNA position 794, T replaced by G.
Protein change: p.Val265Gly; replaces valine 265 with glycine.
Molecular consequence: missense variant.
Genome position (GRCh38, 1-based): chr6:32,097,059, A>C on the plus strand (T>G on the coding strand, the complement: TNXB is on the minus strand). VCF-style: chr6-32097059-A-C. GRCh37 (hg19) VCF-style: chr6-32064836-A-C.
Other names: c.794T>G, p.Val265Gly (NM_001428335.1, NM_019105.8); short protein forms V265G.
Identifiers: ClinVar variation 5031019 (VCV005031019.1).